The following is an entry in ClinVar:

NM_004329.3(BMPR1A):c.516C>T (p.Ser172=)

Gene: BMPR1A (bone morphogenetic protein receptor type 1A; plus strand). Cytogenetic location: 10q23.2.
Variant type: single nucleotide variant.
Coding change: c.516C>T on transcript NM_004329.3 (MANE Select); coding-DNA position 516, C replaced by T.
Protein change: p.Ser172=; no amino-acid change (serine 172 retained).
Molecular consequence: synonymous variant.
Genome position (GRCh38, 1-based): chr10:86,900,112, C>T. VCF-style: chr10-86900112-C-T. GRCh37 (hg19) VCF-style: chr10-88659869-C-T.
Identifiers: ClinVar variation 460501 (VCV000460501.49), dbSNP rs1391614707, ClinGen allele CA470307185.
Genomic context (GRCh38, chr10:86,900,112, plus strand): 5'-ATGGCTGGTTTTGCTCATTTCTATGGCTGTCTGCATAATTGCTATGATCATCTTCTCCAG[C>T]TGCTTTTGTTACAAGTAAGAAGATATTTATTTTGAAGCAAAATATTTTGTCAAATATTAG-3'
Protein context (NP_004320.2, residues 162-182): VCIIAMIIFS[Ser172=]CFCYKHYCKS

ClinVar aggregate classification (germline): Benign/Likely benign. Review status: criteria provided, multiple submitters, no conflicts (2 of 4 stars). 7 submissions from 7 submitters: Benign (1); Likely benign (6). Last evaluated 2025-12-08.

Conditions:
Hereditary cancer-predisposing syndrome. Also called: Hereditary neoplastic syndrome; Neoplastic Syndromes, Hereditary; Hereditary Cancer Syndrome; Tumor predisposition. Identifiers: Orphanet 140162, MedGen C0027672, MeSH D009386, MONDO:0015356.
Juvenile polyposis syndrome (JPS). Identifiers: Orphanet 2929, MedGen C0345893, MONDO:0017380, OMIM 174900.

Allele frequency attached by ClinVar (database versions not stated): gnomAD exomes below 0.00001 and 0.00001; TOPMed below 0.00001; gnomAD 0.00001.
gnomAD v4.1: 6 of 1,613,564 alleles (0.00037%); highest among the groups gnomAD compares: Admixed American, 0.005%; no homozygotes.

Submissions (7):

Labcorp Genetics (formerly Invitae), Labcorp
Classification: Likely benign for Juvenile polyposis syndrome. Last evaluated: 2025-12-08. Review status: criteria provided, single submitter. Criteria: Invitae Variant Classification Sherloc (09022015). Collection method: clinical testing. Allele origin: germline.

CeGaT Center for Human Genetics Tuebingen
Classification: Likely benign. Last evaluated: 2025-06-01. Review status: criteria provided, single submitter. Criteria: CeGaT Center For Human Genetics Tuebingen Variant Classification Criteria Version 2. Collection method: clinical testing. Allele origin: germline. Affected: yes. Observed: 2 variant alleles.
Comment: BMPR1A: BP4

Myriad Genetics, Inc.
Classification: Benign for Juvenile polyposis syndrome. Last evaluated: 2024-08-01. Review status: criteria provided, single submitter. Criteria: Myriad Autosomal Dominant, Autosomal Recessive and X-Linked Classification Criteria (2023). Collection method: clinical testing. Allele origin: unknown.
Comment: This variant is considered benign. This variant is a silent/synonymous amino acid change and it is not expected to impact splicing.

All of Us Research Program, National Institutes of Health
Classification: Likely benign for Juvenile polyposis syndrome. Last evaluated: 2023-10-06. Review status: criteria provided, single submitter. Criteria: ACMG Guidelines, 2015. Collection method: clinical testing. Allele origin: germline. Inheritance: Autosomal dominant inheritance. Observed: 1 variant allele, 1 heterozygote.
Comment: This study involves interpretation of variants in research participants for the purpose of population health screening. Participant phenotype was not available at the time of variant classification. Additional details can be found in publication PMID: 35346344, PMCID: PMC8962531

Blueprint Genetics
Classification: Likely benign. Last evaluated: 2022-06-09. Review status: criteria provided, single submitter. Criteria: ACMG Guidelines, 2015. Collection method: clinical testing. Allele origin: germline.

Ambry Genetics
Classification: Likely benign for Hereditary cancer-predisposing syndrome. Last evaluated: 2019-06-17. Review status: criteria provided, single submitter. Criteria: Ambry Variant Classification Scheme 2023. Collection method: clinical testing. Allele origin: germline.

Color Diagnostics, LLC DBA Color Health
Classification: Likely benign for Hereditary cancer-predisposing syndrome. Last evaluated: 2018-10-02. Review status: criteria provided, single submitter. Criteria: ACMG Guidelines, 2015. Collection method: clinical testing. Allele origin: germline.